The following is an entry in ClinVar:

NM_005633.4(SOS1):c.845G>T (p.Cys282Phe)

Gene: SOS1 (SOS Ras/Rac guanine nucleotide exchange factor 1; minus strand). Cytogenetic location: 2p22.1.
Variant type: single nucleotide variant.
Coding change: c.845G>T on transcript NM_005633.4 (MANE Select); coding-DNA position 845, G replaced by T.
Protein change: p.Cys282Phe; replaces cysteine 282 with phenylalanine.
Molecular consequence: missense variant.
Genome position (GRCh38, 1-based): chr2:39,051,163, C>A on the plus strand (G>T on the coding strand, the complement: SOS1 is on the minus strand). VCF-style: chr2-39051163-C-A. GRCh37 (hg19) VCF-style: chr2-39278304-C-A.
Other names: c.824G>T, p.Cys275Phe (NM_001382394.1); c.845G>T, p.Cys282Phe (NM_001382395.1); short protein forms C275F, C282F.
Identifiers: ClinVar variation 1806763 (VCV001806763.4), dbSNP rs1281947981, ClinGen allele CA346367585.

ClinVar aggregate classification (germline): Uncertain significance. Review status: criteria provided, multiple submitters, no conflicts (2 of 4 stars). 2 submissions from 2 submitters: Uncertain significance (2). Last evaluated 2023-10-05.

Conditions:
RASopathy. Also called: Noonan spectrum disorder; rasopathies. Identifiers: Orphanet 536391, MedGen C5555857, MONDO:0021060.

Submissions (2):

Labcorp Genetics (formerly Invitae), Labcorp
Classification: Uncertain significance for RASopathy. Last evaluated: 2023-10-05. Review status: criteria provided, single submitter. Criteria: Invitae Variant Classification Sherloc (09022015). Collection method: clinical testing. Allele origin: germline.
Comment: This sequence change replaces cysteine, which is neutral and slightly polar, with phenylalanine, which is neutral and non-polar, at codon 282 of the SOS1 protein (p.Cys282Phe). This variant is not present in population databases (gnomAD no frequency). This variant has not been reported in the literature in individuals affected with SOS1-related conditions. ClinVar contains an entry for this variant (Variation ID: 1806763). Advanced modeling of protein sequence and biophysical properties (such as structural, functional, and spatial information, amino acid conservation, physicochemical variation, residue mobility, and thermodynamic stability) performed at Invitae indicates that this missense variant is expected to disrupt SOS1 protein function. In summary, the available evidence is currently insufficient to determine the role of this variant in disease. Therefore, it has been classified as a Variant of Uncertain Significance.

GeneDx
Classification: Uncertain significance. Last evaluated: 2022-06-24. Review status: criteria provided, single submitter. Criteria: GeneDx Variant Classification Process June 2021. Collection method: clinical testing. Allele origin: germline. Affected: yes.
Comment: Not observed at significant frequency in large population cohorts (gnomAD); Missense variants in this gene are often considered pathogenic (HGMD); In silico analysis supports that this missense variant has a deleterious effect on protein structure/function; Has not been previously published as pathogenic or benign to our knowledge; This variant is associated with the following publications: (PMID: 29493581)